The following is an entry in ClinVar:

NM_000170.3(GLDC):c.1702C>G (p.Leu568Val)

Gene: GLDC (glycine decarboxylase; minus strand). Cytogenetic location: 9p24.1.
Variant type: single nucleotide variant.
Coding change: c.1702C>G on transcript NM_000170.3 (MANE Select); coding-DNA position 1702, C replaced by G.
Protein change: p.Leu568Val; replaces leucine 568 with valine.
Molecular consequence: missense variant.
Genome position (GRCh38, 1-based): chr9:6,588,406, G>C on the plus strand (C>G on the coding strand, the complement: GLDC is on the minus strand). VCF-style: chr9-6588406-G-C. GRCh37 (hg19) VCF-style: chr9-6588406-G-C.
Other names: c.1702C>G (NM_000170.2); short protein forms L568V.
Identifiers: ClinVar variation 1476685 (VCV001476685.6), dbSNP rs760181670, ClinGen allele CA4980571.

ClinVar aggregate classification (germline): Uncertain significance. Review status: criteria provided, multiple submitters, no conflicts (2 of 4 stars). 2 submissions from 2 submitters: Uncertain significance (2). Last evaluated 2025-01-16.

Conditions:
Glycine encephalopathy. Also called: Non-ketotic hyperglycinemia; Nonketotic hyperglycinemia. Identifiers: Orphanet 407, MedGen C0751748, MONDO:0011612, HP:0008288.
Inborn genetic diseases. Identifiers: MedGen C0950123, MeSH D030342.

Allele frequency attached by ClinVar (database versions not stated): gnomAD exomes 0.00002.
gnomAD v4.1: 14 of 1,610,796 alleles (0.00087%); highest among the groups gnomAD compares: African/African-American, 0.0013%; no homozygotes.

Submissions (2):

Ambry Genetics
Classification: Uncertain significance for Inborn genetic diseases. Last evaluated: 2025-01-16. Review status: criteria provided, single submitter. Criteria: Ambry Variant Classification Scheme 2023. Collection method: clinical testing. Allele origin: germline.

Labcorp Genetics (formerly Invitae), Labcorp
Classification: Uncertain significance for Glycine encephalopathy. Last evaluated: 2021-08-27. Review status: criteria provided, single submitter. Criteria: Invitae Variant Classification Sherloc (09022015). Collection method: clinical testing. Allele origin: germline.
Comment: This sequence change replaces leucine with valine at codon 568 of the GLDC protein (p.Leu568Val). The leucine residue is moderately conserved and there is a small physicochemical difference between leucine and valine. This variant is present in population databases (rs760181670, ExAC 0.001%). This variant has not been reported in the literature in individuals affected with GLDC-related conditions. Algorithms developed to predict the effect of missense changes on protein structure and function (SIFT, PolyPhen-2, Align-GVGD) all suggest that this variant is likely to be tolerated. In summary, the available evidence is currently insufficient to determine the role of this variant in disease. Therefore, it has been classified as a Variant of Uncertain Significance.